The following is an entry in ClinVar:

NM_000093.5(COL5A1):c.2899-318A>G

Gene: COL5A1 (collagen type V alpha 1 chain; plus strand). Cytogenetic location: 9q34.3.
Variant type: single nucleotide variant.
Coding change: c.2899-318A>G on transcript NM_000093.5 (MANE Select); 318 bases into the intron before coding-DNA position 2899, A replaced by G.
Molecular consequence: intron variant.
Genome position (GRCh38, 1-based): chr9:134,798,090, A>G. VCF-style: chr9-134798090-A-G. GRCh37 (hg19) VCF-style: chr9-137689936-A-G.
Other names: c.2899-318A>G (NM_001278074.1).
Identifiers: ClinVar variation 683377 (VCV000683377.1), dbSNP rs10745385, ClinGen allele CA12975168.

ClinVar aggregate classification (germline): Benign (1 of 4 stars; one submission).

Allele frequency attached by ClinVar (database versions not stated): gnomAD 0.51352 and 0.51790; TOPMed 0.51809; 1000 Genomes Project 30x 0.56137; 1000 Genomes Project 0.56550.
gnomAD v4.1: 78,514 of 152,022 alleles (52%); highest among the groups gnomAD compares: East Asian, 77%; 20,559 homozygotes.

Submission:

GeneDx
Classification: Benign. Last evaluated: 2018-06-18. Review status: criteria provided, single submitter. Criteria: GeneDx Variant Classification (06012015). Collection method: clinical testing. Allele origin: germline. Affected: yes.
Comment: This variant is considered likely benign or benign based on one or more of the following criteria: it is a conservative change, it occurs at a poorly conserved position in the protein, it is predicted to be benign by multiple in silico algorithms, and/or has population frequency not consistent with disease.